The following is an entry in ClinVar:

NM_000496.3(CRYBB2):c.223G>A (p.Glu75Lys)

Gene: CRYBB2 (crystallin beta B2; plus strand). Cytogenetic location: 22q11.23.
Variant type: single nucleotide variant.
Coding change: c.223G>A on transcript NM_000496.3 (MANE Select); coding-DNA position 223, G replaced by A.
Protein change: p.Glu75Lys; replaces glutamic acid 75 with lysine.
Molecular consequence: missense variant.
Genome position (GRCh38, 1-based): chr22:25,227,902, G>A. VCF-style: chr22-25227902-G-A. GRCh37 (hg19) VCF-style: chr22-25623869-G-A.
Other names: p.Glu75Lys; short protein forms E75K.
Identifiers: ClinVar variation 4056309 (VCV004056309.1).

ClinVar aggregate classification (germline): Uncertain significance (1 of 4 stars; one submission).

Conditions:
Cataract 3 multiple types. Also called: CATARACT 3, MULTIPLE TYPES, WITH OR WITHOUT MICROCORNEA. Identifiers: Orphanet 1377, MedGen C1832175, MONDO:0011104, OMIM 601547.

Submission:

Foundation for Research in Genetics and Endocrinology, FRIGE's Institute of Human Genetics
Classification: Uncertain significance for Cataract 3 multiple types. Last evaluated: 2025-07-01. Review status: criteria provided, single submitter. Criteria: ACMG Guidelines, 2015. Collection method: clinical testing. Allele origin: germline. Inheritance: Autosomal dominant inheritance. Affected: yes. Observed: 1 heterozygote.
Comment: The heterozygous missense variant c.223G>A has been detected in the CRYBB2 gene. It leads to a change in amino acid from Glutamic Acid to Lysine at codon 75. This variant has not been reported in population frequency databases such as gnomAD and ExAC. This variant is predicted to be deleterious by in silico prediction tools such as Revel, AlphaMissense, MutationTaster (D), DANN, PrimateAI and BayesDel. In summary, the variant meets our criteria to be classified as variant of uncertain significance.